The following is an entry in ClinVar:

ClinVar aggregate classification (germline): Uncertain significance. Review status: criteria provided, multiple submitters, no conflicts (2 of 4 stars). 2 submissions from 2 submitters: Uncertain significance (2). Last evaluated 2025-02-20.

Conditions:
Inborn genetic diseases. Identifiers: MedGen C0950123, MeSH D030342.

gnomAD v4.1: 10 of 1,613,950 alleles (0.00062%); highest among the groups gnomAD compares: Admixed American, 0.015%; no homozygotes.

Submissions (2):

Labcorp Genetics (formerly Invitae), Labcorp
Classification: Uncertain significance. Last evaluated: 2025-02-20. Review status: criteria provided, single submitter. Criteria: Invitae Variant Classification Sherloc (09022015). Collection method: clinical testing. Allele origin: germline.
Comment: This sequence change replaces glutamine, which is neutral and polar, with arginine, which is basic and polar, at codon 1149 of the MYO6 protein (p.Gln1149Arg). This variant is not present in population databases (gnomAD no frequency). This variant has not been reported in the literature in individuals affected with MYO6-related conditions. ClinVar contains an entry for this variant (Variation ID: 3401625). Invitae Evidence Modeling of protein sequence and biophysical properties (such as structural, functional, and spatial information, amino acid conservation, physicochemical variation, residue mobility, and thermodynamic stability) indicates that this missense variant is not expected to disrupt MYO6 protein function with a negative predictive value of 80%. In summary, the available evidence is currently insufficient to determine the role of this variant in disease. Therefore, it has been classified as a Variant of Uncertain Significance.

Ambry Genetics
Classification: Uncertain significance for Inborn genetic diseases. Last evaluated: 2024-08-19. Review status: criteria provided, single submitter. Criteria: Ambry Variant Classification Scheme 2023. Collection method: clinical testing. Allele origin: germline.

NM_004999.4(MYO6):c.3446A>G (p.Gln1149Arg)

Gene: MYO6 (myosin VI; plus strand). Cytogenetic location: 6q14.1.
Variant type: single nucleotide variant.
Coding change: c.3446A>G on transcript NM_004999.4 (MANE Select); coding-DNA position 3446, A replaced by G.
Protein change: p.Gln1149Arg; replaces glutamine 1149 with arginine.
Molecular consequence: missense variant. On other transcripts: non-coding transcript variant (1).
Genome position (GRCh38, 1-based): chr6:75,914,069, A>G. VCF-style: chr6-75914069-A-G. GRCh37 (hg19) VCF-style: chr6-76623786-A-G.
Other names: c.3377A>G, p.Gln1126Arg (NM_001300899.2); c.3350A>G, p.Gln1117Arg (NM_001368136.1); c.3407A>G, p.Gln1136Arg (NM_001368137.1); c.3362A>G, p.Gln1121Arg (NM_001368138.1); c.3473A>G, p.Gln1158Arg (NM_001368865.1); c.3446A>G, p.Gln1149Arg (NM_001368866.1); short protein forms Q1117R, Q1136R, Q1149R, Q1121R, Q1126R, Q1158R.
Identifiers: ClinVar variation 3401625 (VCV003401625.2).
Genomic context (GRCh38, chr6:75,914,069, plus strand): 5'-CTCTTTTCTTTTCCCTTGAGCTGCTGGTATAACTTTCCTTGTTCTGTGTAATAGCTCAGC[A>G]AAACCCAGCAGCTCAGATTCCTGCCAGGCAGCGGGAGATTGAAATGAACCGACAGCAACG-3'
Protein context (NP_004990.3, residues 1139-1159): FAPFLNNSPQ[Gln1149Arg]NPAAQIPARQ